The following is an entry in ClinVar:

ClinVar aggregate classification (germline): Likely pathogenic (1 of 4 stars; one submission).

Conditions:
Ornithine aminotransferase deficiency (GACR). Also called: HYPERORNITHINEMIA WITH GYRATE ATROPHY OF CHOROID AND RETINA; OAT DEFICIENCY; Ornithine ketoacid aminotransferase deficiency; Gyrate atrophy; Gyrate atrophy of choroid and retina; Girate atrophy of the retina. Identifiers: Orphanet 414, MedGen C0018425, MONDO:0009796, OMIM 258870.

Submission:

Juno Genomics, Hangzhou Juno Genomics, Inc
Classification: Likely pathogenic for Ornithine aminotransferase deficiency. Review status: criteria provided, single submitter. Criteria: ACMG Guidelines, 2015. Collection method: clinical testing. Allele origin: germline.
Comment: Null variant in a gene where loss of function (LOF) is a known mechanism of disease.;Absent from controls (or at extremely low frequency if recessive) in Genome Aggregation Database.

NM_000274.4(OAT):c.952G>T (p.Glu318Ter)

Gene: OAT (ornithine aminotransferase; minus strand). Cytogenetic location: 10q26.13.
Variant type: single nucleotide variant.
Coding change: c.952G>T on transcript NM_000274.4 (MANE Select); coding-DNA position 952, G replaced by T.
Protein change: p.Glu318Ter; replaces glutamic acid 318 with a stop codon.
Molecular consequence: nonsense.
Genome position (GRCh38, 1-based): chr10:124,401,788, C>A on the plus strand (G>T on the coding strand, the complement: OAT is on the minus strand). VCF-style: chr10-124401788-C-A. GRCh37 (hg19) VCF-style: chr10-126090357-C-A.
Other names: c.631G>T, p.Glu211Ter (NM_001322971.2); c.352G>T, p.Glu118Ter (NM_001322974.2); c.538G>T, p.Glu180Ter (NM_001171814.2); c.952G>T, p.Glu318Ter (NM_001322965.2, NM_001322966.2, NM_001322967.2 and 3 more transcripts); short protein forms E180*, E118*, E211*, E318*.
Identifiers: ClinVar variation 5007642 (VCV005007642.2).